The following is an entry in ClinVar:

NM_000222.3(KIT):c.2599A>G (p.Ser867Gly)

Gene: KIT (KIT proto-oncogene, receptor tyrosine kinase; plus strand). Cytogenetic location: 4q12.
Variant type: single nucleotide variant.
Coding change: c.2599A>G on transcript NM_000222.3 (MANE Select); coding-DNA position 2599, A replaced by G.
Protein change: p.Ser867Gly; replaces serine 867 with glycine.
Molecular consequence: missense variant.
Genome position (GRCh38, 1-based): chr4:54,736,723, A>G. VCF-style: chr4-54736723-A-G. GRCh37 (hg19) VCF-style: chr4-55602889-A-G.
Other names: c.2587A>G, p.Ser863Gly (NM_001093772.2, NM_001385292.1); c.2602A>G, p.Ser868Gly (NM_001385284.1); c.2596A>G, p.Ser866Gly (NM_001385285.1); c.2584A>G, p.Ser862Gly (NM_001385286.1); c.2590A>G, p.Ser864Gly (NM_001385288.1); c.2599A>G, p.Ser867Gly (NM_001385290.1); short protein forms S862G, S863G, S866G, S867G, S868G, S864G.
Identifiers: ClinVar variation 4720740 (VCV004720740.1).
Genomic context (GRCh38, chr4:54,736,723, plus strand): 5'-AGTTTCATTGGTGTCCTGCTTCCTTGTGATTAACACTGCTTTGCAAACTGTGTCTCAGGA[A>G]GCAGCCCCTATCCTGGAATGCCGGTCGATTCTAAGTTCTACAAGATGATCAAGGAAGGCT-3'
Protein context (NP_000213.1, residues 857-877): IFLWELFSLG[Ser867Gly]SPYPGMPVDS

ClinVar aggregate classification (germline): Uncertain significance (1 of 4 stars; one submission).

Conditions:
Gastrointestinal stromal tumor. Also called: Gastrointestinal stromal tumor, somatic; Gastrointestinal stroma tumor. Identifiers: Orphanet 44890, MedGen C0238198, MeSH D046152, MONDO:0011719, OMIM 606764, HP:0100723.

gnomAD v4.1: 2 of 1,613,890 alleles (0.00012%); highest among the groups gnomAD compares: Non-Finnish European, 0.00017%; no homozygotes.

Submission:

Labcorp Genetics (formerly Invitae), Labcorp
Classification: Uncertain significance for Gastrointestinal stromal tumor. Last evaluated: 2025-06-04. Review status: criteria provided, single submitter. Criteria: Invitae Variant Classification Sherloc (09022015). Collection method: clinical testing. Allele origin: germline.
Comment: This sequence change replaces serine, which is neutral and polar, with glycine, which is neutral and non-polar, at codon 867 of the KIT protein (p.Ser867Gly). This variant is present in population databases (rs761684550, gnomAD 0.0009%). This variant has not been reported in the literature in individuals affected with KIT-related conditions. An algorithm developed to predict the effect of missense changes on protein structure and function (PolyPhen-2) suggests that this variant is likely to be tolerated. In summary, the available evidence is currently insufficient to determine the role of this variant in disease. Therefore, it has been classified as a Variant of Uncertain Significance.